The following is an entry in ClinVar:

ClinVar aggregate classification (germline): Pathogenic/Likely pathogenic. Review status: criteria provided, multiple submitters, no conflicts (2 of 4 stars). 2 submissions from 2 submitters: Pathogenic (1); Likely pathogenic (1). Last evaluated 2025-02-18.

Conditions:
Autosomal recessive polycystic kidney disease (ARPKD). Also called: AR polycystic kidney disease. Identifiers: Orphanet 731, Orphanet 8378, MedGen C0085548, MeSH D017044, MONDO:0009889.
Polycystic kidney disease 4 (PKD4). Also called: Autosomal Recessive Polycystic Kidney Disease – PKHD1; POLYCYSTIC KIDNEY AND HEPATIC DISEASE 1; POLYCYSTIC KIDNEY DISEASE, INFANTILE, TYPE I; POLYCYSTIC KIDNEY DISEASE 4 WITH OR WITHOUT POLYCYSTIC LIVER DISEASE; PKD3. Identifiers: MedGen C4540575, MONDO:0033004, OMIM 263200.

Submissions (2):

Myriad Genetics, Inc.
Classification: Pathogenic for Polycystic kidney disease 4. Last evaluated: 2025-02-18. Review status: criteria provided, single submitter. Criteria: Myriad Autosomal Dominant, Autosomal Recessive and X-Linked Classification Criteria (2023). Collection method: clinical testing. Allele origin: unknown.
Comment: NM_138694.3(PKHD1):c.1638delA(K546Nfs*62) is expected to be pathogenic in the context of autosomal recessive polycystic kidney disease, PKHD1-related. This variant is predicted to lead to an abnormal or absent protein product due to the creation of a premature termination codon in PKHD1, a gene where loss-of-function variants are known to be pathogenic. Please note: this variant was assessed in the context of healthy population screening.

Natera, Inc.
Classification: Likely pathogenic for Autosomal recessive polycystic kidney disease. Last evaluated: 2024-06-13. Review status: criteria provided, single submitter. Criteria: Natera Variant Classification Schema (03/2026). Collection method: clinical testing. Allele origin: germline.
Comment: The c.1638delA variant in PKHD1 is a frameshift variant predicted to shift the reading frame beginning at codon 546 and leads to a stop codon 62 codons downstream. This variant is expected to result in nonsense mediated decay, truncation, or a dysfunctional protein product. This variant is rare in the general population with a frequency below the threshold expected for the associated phenotype(s). Given the available evidence, this variant is classified as Likely Pathogenic.

NM_138694.4(PKHD1):c.1638del (p.Lys546fs)

Gene: PKHD1 (PKHD1 ciliary IPT domain containing fibrocystin/polyductin; minus strand). Cytogenetic location: 6p12.2.
Variant type: Deletion.
Coding change: c.1638del on transcript NM_138694.4 (MANE Select); coding-DNA position 1638, one base deleted (A; older notation c.1638delA).
Protein change: p.Lys546fs; shifts the reading frame from lysine 546.
Molecular consequence: frameshift variant.
Genome position (GRCh38, 1-based): chr6:52,056,753, T deleted on the plus strand (A on the coding strand, the reverse complement: PKHD1 is on the minus strand); the first of 4 consecutive T bases (chr6:52,056,753-52,056,756); deleting any one gives the same sequence. VCF-style (leftmost placement, unchanged base first): chr6-52056752-AT-A. GRCh37 (hg19) VCF-style: chr6-51921550-AT-A.
Other names: c.1638del, p.Lys546fs (NM_170724.3); short protein forms K546fs.
Identifiers: ClinVar variation 4816585 (VCV004816585.2).